The following is an entry in ClinVar:

NM_001854.4(COL11A1):c.3737G>T (p.Gly1246Val)

Gene: COL11A1 (collagen type XI alpha 1 chain; minus strand). Cytogenetic location: 1p21.1.
Variant type: single nucleotide variant.
Coding change: c.3737G>T on transcript NM_001854.4 (MANE Select); coding-DNA position 3737, G replaced by T.
Protein change: p.Gly1246Val; replaces glycine 1246 with valine.
Molecular consequence: missense variant. On other transcripts: non-coding transcript variant (1).
Genome position (GRCh38, 1-based): chr1:102,920,336, C>A on the plus strand (G>T on the coding strand, the complement: COL11A1 is on the minus strand). VCF-style: chr1-102920336-C-A. GRCh37 (hg19) VCF-style: chr1-103385892-C-A.
Other names: c.3620G>T, p.Gly1207Val (NM_001190709.2); c.3773G>T, p.Gly1258Val (NM_080629.3); c.3389G>T, p.Gly1130Val (NM_080630.4); short protein forms G1246V, G1130V, G1258V, G1207V.
Identifiers: ClinVar variation 1515851 (VCV001515851.6), dbSNP rs2101066674, ClinGen allele CA341163791.
Genomic context (GRCh38, chr1:102,920,336, plus strand): 5'-TGCTGTTTCAAACTGTGTGTCACTAACATATTTACCTTTTCTCCAACACCACCAACTGAA[C>A]CAACAGACCCTGGGGGTCCTTGTGGTCCCTGCAGTGTAGAAAAAGGAATGTAATTATCCA-3'
Protein context (NP_001845.3, residues 1236-1256): DGPQGPPGSV[Gly1246Val]SVGGVGEKGE

ClinVar aggregate classification (germline): Uncertain significance (1 of 4 stars; one submission).

Submission:

Labcorp Genetics (formerly Invitae), Labcorp
Classification: Uncertain significance. Last evaluated: 2022-03-19. Review status: criteria provided, single submitter. Criteria: Invitae Variant Classification Sherloc (09022015). Collection method: clinical testing. Allele origin: germline.
Comment: This sequence change replaces glycine, which is neutral and non-polar, with valine, which is neutral and non-polar, at codon 1246 of the COL11A1 protein (p.Gly1246Val). This variant is not present in population databases (gnomAD no frequency). In summary, the available evidence is currently insufficient to determine the role of this variant in disease. Therefore, it has been classified as a Variant of Uncertain Significance. Advanced modeling of protein sequence and biophysical properties (such as structural, functional, and spatial information, amino acid conservation, physicochemical variation, residue mobility, and thermodynamic stability) performed at Invitae indicates that this missense variant is expected to disrupt COL11A1 protein function. This variant has not been reported in the literature in individuals affected with COL11A1-related conditions.